The following is an entry in ClinVar:

ClinVar aggregate classification (germline): Likely benign. Review status: criteria provided, multiple submitters, no conflicts (2 of 4 stars). 3 submissions from 3 submitters: Likely benign (3). Last evaluated 2024-03-10.

Conditions:
Charcot-Marie-Tooth disease type 2. Also called: Charcot-Marie-Tooth type 2. Identifiers: Orphanet 64746, MedGen C0270914, MONDO:0018993.

Allele frequency attached by ClinVar (database versions not stated): gnomAD exomes below 0.00001; TOPMed 0.00001; gnomAD 0.00002.
gnomAD v4.1: 6 of 1,613,986 alleles (0.00037%); highest among the groups gnomAD compares: Non-Finnish European, 0.00051%; no homozygotes.

Submissions (3):

Labcorp Genetics (formerly Invitae), Labcorp
Classification: Likely benign for Charcot-Marie-Tooth disease type 2. Last evaluated: 2024-03-10. Review status: criteria provided, single submitter. Criteria: Invitae Variant Classification Sherloc (09022015). Collection method: clinical testing. Allele origin: germline.

CeGaT Center for Human Genetics Tuebingen
Classification: Likely benign. Last evaluated: 2022-11-01. Review status: criteria provided, single submitter. Criteria: CeGaT Center For Human Genetics Tuebingen Variant Classification Criteria Version 2. Collection method: clinical testing. Allele origin: germline. Affected: yes. Observed: 1 variant allele.
Comment: KIF1B: BP4, BP7

Ambry Genetics
Classification: Likely benign. Last evaluated: 2022-03-31. Review status: criteria provided, single submitter. Criteria: Ambry Variant Classification Scheme 2023. Collection method: clinical testing. Allele origin: germline.

NM_001365951.3(KIF1B):c.3756C>A (p.Leu1252=)

Gene: KIF1B (kinesin family member 1B; plus strand). Cytogenetic location: 1p36.22.
Variant type: single nucleotide variant.
Coding change: c.3756C>A on transcript NM_001365951.3 (MANE Select); coding-DNA position 3756, C replaced by A.
Protein change: p.Leu1252=; no amino-acid change (leucine 1252 retained).
Molecular consequence: synonymous variant.
Genome position (GRCh38, 1-based): chr1:10,345,912, C>A. VCF-style: chr1-10345912-C-A. GRCh37 (hg19) VCF-style: chr1-10405970-C-A.
Other names: c.3756C>A, p.Leu1252= (NM_001365952.1); c.3618C>A, p.Leu1206= (NM_015074.3).
Identifiers: ClinVar variation 1113389 (VCV001113389.35), dbSNP rs1341773631, ClinGen allele CA415884459.